The following is an entry in ClinVar:

ClinVar aggregate classification (germline): Uncertain significance. Review status: criteria provided, multiple submitters, no conflicts (2 of 4 stars). 2 submissions from 2 submitters: Uncertain significance (2). Last evaluated 2024-07-30.

Conditions:
Ataxia-telangiectasia syndrome (AT). Also called: ATAXIA-TELANGIECTASIA, FRESNO VARIANT; Ataxia-telangiectasia, complementation group D; Cerebello-oculocutaneous telangiectasia; Immunodeficiency with ataxia telangiectasia; Ataxia-telangiectasia; Ataxia telangiectasia (A-T). Identifiers: Orphanet 100, MedGen C0004135, MONDO:0008840, OMIM 208900.
Hereditary cancer-predisposing syndrome. Also called: Neoplastic Syndromes, Hereditary; Hereditary neoplastic syndrome; Hereditary Cancer Syndrome; Tumor predisposition. Identifiers: Orphanet 140162, MedGen C0027672, MeSH D009386, MONDO:0015356.

Submissions (2):

Labcorp Genetics (formerly Invitae), Labcorp
Classification: Uncertain significance for Ataxia-telangiectasia syndrome. Last evaluated: 2024-07-30. Review status: criteria provided, single submitter. Criteria: Invitae Variant Classification Sherloc (09022015). Collection method: clinical testing. Allele origin: germline.
Comment: This sequence change falls in intron 11 of the ATM gene. It does not directly change the encoded amino acid sequence of the ATM protein. It affects a nucleotide within the consensus splice site. This variant is not present in population databases (gnomAD no frequency). This variant has not been reported in the literature in individuals affected with ATM-related conditions. ClinVar contains an entry for this variant (Variation ID: 655890). Variants that disrupt the consensus splice site are a relatively common cause of aberrant splicing (PMID: 17576681, 9536098). RNA analysis performed to evaluate the impact of this variant on mRNA splicing indicates it does not significantly alter splicing (Invitae). In summary, the available evidence is currently insufficient to determine the role of this variant in disease. Therefore, it has been classified as a Variant of Uncertain Significance.

Ambry Genetics
Classification: Uncertain significance for Hereditary cancer-predisposing syndrome. Last evaluated: 2022-01-03. Review status: criteria provided, single submitter. Criteria: Ambry Variant Classification Scheme 2023. Collection method: clinical testing. Allele origin: germline.
Comment: The c.1802+3A>G intronic variant results from an A to G substitution 3 nucleotides after coding exon 10 in the ATM gene. This nucleotide position is well conserved in available vertebrate species. In silico splice site analysis predicts that this alteration may weaken the native splice donor site; however, direct evidence is insufficient at this time (Ambry internal data). Since supporting evidence is limited at this time, the clinical significance of this alteration remains unclear.

Literature cited by the submitters: PubMed 17576681 (cited by Labcorp Genetics (formerly Invitae), Labcorp); PubMed 9536098 (cited by Labcorp Genetics (formerly Invitae), Labcorp).

NM_000051.4(ATM):c.1802+3A>G

Gene: ATM (ATM serine/threonine kinase; plus strand). Cytogenetic location: 11q22.3.
Variant type: single nucleotide variant.
Coding change: c.1802+3A>G on transcript NM_000051.4 (MANE Select); 3 bases into the intron after coding-DNA position 1802, A replaced by G.
Molecular consequence: intron variant.
Genome position (GRCh38, 1-based): chr11:108,252,034, A>G. VCF-style: chr11-108252034-A-G. GRCh37 (hg19) VCF-style: chr11-108122761-A-G.
Other names: c.1802+3A>G (NM_001351834.2).
Identifiers: ClinVar variation 655890 (VCV000655890.11), dbSNP rs1591528500, ClinGen allele CA915948353.